The following is an entry in ClinVar:

NM_019008.6(MIEF1):c.359G>C (p.Arg120Thr)

Gene: MIEF1 (mitochondrial elongation factor 1; plus strand). Cytogenetic location: 22q13.1.
Variant type: single nucleotide variant.
Coding change: c.359G>C on transcript NM_019008.6 (MANE Select); coding-DNA position 359, G replaced by C.
Protein change: p.Arg120Thr; replaces arginine 120 with threonine.
Molecular consequence: missense variant.
Genome position (GRCh38, 1-based): chr22:39,512,268, G>C. VCF-style: chr22-39512268-G-C. GRCh37 (hg19) VCF-style: chr22-39908273-G-C.
Other names: c.359G>C, p.Arg120Thr (NM_001304564.2); short protein forms R120T.
Identifiers: ClinVar variation 3873022 (VCV003873022.11).

ClinVar aggregate classification (germline): Conflicting classifications of pathogenicity. Review status: criteria provided, conflicting classifications (1 of 4 stars). 2 submissions from 2 submitters: Uncertain significance (1); Likely benign (1). Last evaluated 2025-05-01.

gnomAD v4.1: 1 of 1,613,922 alleles (0.000062%); no homozygotes.

Submissions (2):

CeGaT Center for Human Genetics Tuebingen
Classification: Likely benign. Last evaluated: 2025-05-01. Review status: criteria provided, single submitter. Criteria: CeGaT Center For Human Genetics Tuebingen Variant Classification Criteria Version 2. Collection method: clinical testing. Allele origin: germline. Affected: yes. Observed: 1 variant allele.
Comment: MIEF1: BP4

Ambry Genetics
Classification: Uncertain significance. Last evaluated: 2025-02-08. Review status: criteria provided, single submitter. Criteria: Ambry Variant Classification Scheme 2023. Collection method: clinical testing. Allele origin: germline.